The following is an entry in ClinVar:

ClinVar aggregate classification (germline): Benign. Review status: criteria provided, multiple submitters, no conflicts (2 of 4 stars). 6 submissions from 6 submitters: Benign (6). Last evaluated 2026-01-27.

Conditions:
Cataract 18 (CATC2). Also called: CATARACT 18, AUTOSOMAL RECESSIVE. Identifiers: Orphanet 91492, Orphanet 98991, Orphanet 98992, Orphanet 98995, MedGen C1864908, MONDO:0012395, OMIM 610019.

Allele frequency attached by ClinVar (database versions not stated): TOPMed 0.07221; gnomAD 0.08025 and 0.08810; ESP Exome Variant Server 0.08035; 1000 Genomes Project 30x 0.10415; 1000 Genomes Project 0.10683; gnomAD exomes 0.12616; ExAC 0.12899.
gnomAD v4.1: 182,822 of 1,613,428 alleles (11%); highest among the groups gnomAD compares: South Asian, 34%; 14,042 homozygotes.

Submissions (6):

Labcorp Genetics (formerly Invitae), Labcorp
Classification: Benign for Cataract 18. Last evaluated: 2026-01-27. Review status: criteria provided, single submitter. Criteria: Invitae Variant Classification Sherloc (09022015). Collection method: clinical testing. Allele origin: germline.

Genome-Nilou Lab
Classification: Benign for Cataract 18. Last evaluated: 2021-08-10. Review status: criteria provided, single submitter. Criteria: ACMG Guidelines, 2015. Collection method: clinical testing. Allele origin: germline. Affected: no.

GeneDx
Classification: Benign. Last evaluated: 2018-08-03. Review status: criteria provided, single submitter. Criteria: GeneDx Variant Classification Process June 2021. Collection method: clinical testing. Allele origin: germline. Affected: yes.

Illumina Laboratory Services, Illumina
Classification: Benign for Cataract 18. Last evaluated: 2018-01-13. Review status: criteria provided, single submitter. Criteria: ICSL Variant Classification Criteria 13 December 2019. Collection method: clinical testing. Allele origin: germline.
Comment: This variant was observed in the ICSL laboratory as part of a predisposition screen in an ostensibly healthy population. It had not been previously curated by ICSL or reported in the Human Gene Mutation Database (HGMD: prior to June 1st, 2018), and was therefore a candidate for classification through an automated scoring system. Utilizing variant allele frequency, disease prevalence and penetrance estimates, and inheritance mode, an automated score was calculated to assess if this variant is too frequent to cause the disease. Based on the score and internal cut-off values, a variant classified as benign is not then subjected to further curation. The score for this variant resulted in a classification of benign for this disease.

Breakthrough Genomics
Classification: Benign. Review status: criteria provided, single submitter. Criteria: ACMG Guidelines, 2015. Collection method: not provided. Allele origin: germline. Inheritance: Autosomal recessive inheritance. Affected: yes.

PreventionGenetics, part of Exact Sciences
Classification: Benign. Review status: criteria provided, single submitter. Criteria: ACMG Guidelines, 2015. Collection method: clinical testing. Allele origin: germline.

NM_024513.4(FYCO1):c.3587+15C>T

Gene: FYCO1 (FYVE and coiled-coil domain autophagy adaptor 1; minus strand). Cytogenetic location: 3p21.31.
Variant type: single nucleotide variant.
Coding change: c.3587+15C>T on transcript NM_024513.4 (MANE Select); 15 bases into the intron after coding-DNA position 3587, C replaced by T.
Molecular consequence: intron variant.
Genome position (GRCh38, 1-based): chr3:45,959,378, G>A on the plus strand (C>T on the coding strand, the complement: FYCO1 is on the minus strand). VCF-style: chr3-45959378-G-A. GRCh37 (hg19) VCF-style: chr3-46000870-G-A.
Identifiers: ClinVar variation 261732 (VCV000261732.17), dbSNP rs13069079, ClinGen allele CA2352750.
Genomic context (GRCh38, chr3:45,959,378, plus strand): 5'-CCTCTTTTGGAGCTGTCTGCTCTGGTCCTGGGCCCCACCAGGGTGTTGGTGCCAACCCAC[G>A]AGCTCCCTGCTGACCTGCAGTGGTGCCGCCGCACCATCCAGCTGAACTCCCGCTTACAGT-3'